The following is an entry in ClinVar:

NM_005477.3(HCN4):c.1797G>A (p.Ala599=)

Gene: HCN4 (hyperpolarization activated cyclic nucleotide gated potassium channel 4; minus strand). Cytogenetic location: 15q24.1.
Variant type: single nucleotide variant.
Coding change: c.1797G>A on transcript NM_005477.3 (MANE Select); coding-DNA position 1797, G replaced by A.
Protein change: p.Ala599=; no amino-acid change (alanine 599 retained).
Molecular consequence: synonymous variant.
Genome position (GRCh38, 1-based): chr15:73,325,136, C>T on the plus strand (G>A on the coding strand, the complement: HCN4 is on the minus strand). VCF-style: chr15-73325136-C-T. GRCh37 (hg19) VCF-style: chr15-73617477-C-T.
Identifiers: ClinVar variation 380689 (VCV000380689.39), dbSNP rs371484779, ClinGen allele CA7649183.

ClinVar aggregate classification (germline): Likely benign. Review status: criteria provided, multiple submitters, no conflicts (2 of 4 stars). 5 submissions from 5 submitters: Likely benign (5). Last evaluated 2026-02-01.

Conditions:
Cardiovascular phenotype. Identifiers: MedGen CN230736.
Brugada syndrome 8 (BRGDA8). Identifiers: Orphanet 130, MedGen C2751083, MONDO:0013148, OMIM 613123.

Allele frequency attached by ClinVar (database versions not stated): ESP Exome Variant Server 0.00008; TOPMed 0.00009; gnomAD 0.00013 and 0.00014; ExAC 0.00016; gnomAD exomes 0.00016 and 0.00017.
gnomAD v4.1: 261 of 1,614,046 alleles (0.016%); highest among the groups gnomAD compares: Non-Finnish European, 0.019%; no homozygotes.

Submissions (5):

Labcorp Genetics (formerly Invitae), Labcorp
Classification: Likely benign for Brugada syndrome 8. Last evaluated: 2026-02-01. Review status: criteria provided, single submitter. Criteria: Invitae Variant Classification Sherloc (09022015). Collection method: clinical testing. Allele origin: germline.

Blueprint Genetics
Classification: Likely benign. Last evaluated: 2024-11-07. Review status: criteria provided, single submitter. Criteria: ACMG Guidelines, 2015. Collection method: clinical testing. Allele origin: germline.

CeGaT Center for Human Genetics Tuebingen
Classification: Likely benign. Last evaluated: 2024-11-01. Review status: criteria provided, single submitter. Criteria: CeGaT Center For Human Genetics Tuebingen Variant Classification Criteria Version 2. Collection method: clinical testing. Allele origin: germline. Affected: yes. Observed: 1 variant allele.
Comment: HCN4: BP4, BP7

Ambry Genetics
Classification: Likely benign for Cardiovascular phenotype. Last evaluated: 2020-02-24. Review status: criteria provided, single submitter. Criteria: Ambry Variant Classification Scheme 2023. Collection method: clinical testing. Allele origin: germline.

GeneDx
Classification: Likely benign. Last evaluated: 2017-10-17. Review status: criteria provided, single submitter. Criteria: GeneDx Variant Classification (06012015). Collection method: clinical testing. Allele origin: germline. Affected: yes.
Comment: This variant is considered likely benign or benign based on one or more of the following criteria: it is a conservative change, it occurs at a poorly conserved position in the protein, it is predicted to be benign by multiple in silico algorithms, and/or has population frequency not consistent with disease.